The following is an entry in ClinVar:

ClinVar aggregate classification (germline): Uncertain significance. Review status: criteria provided, multiple submitters, no conflicts (2 of 4 stars). 2 submissions from 2 submitters: Uncertain significance (2). Last evaluated 2024-05-15.

Conditions:
Hemorrhage, intracerebral, susceptibility to (ICH). Also called: Stroke, hemorrhagic, susceptibility to. Identifiers: MedGen C3281105, MONDO:0100533, OMIM 614519.
Brain small vessel disease 1 with or without ocular anomalies (BSVD1). Also called: PORENCEPHALY, TYPE 1, AUTOSOMAL DOMINANT; BRAIN SMALL VESSEL DISEASE WITH HEMORRHAGE; GOULD SYNDROME 1; Brain small vessel disease with or without ocular anomalies. Identifiers: Orphanet 2940, Orphanet 36383, Orphanet 99810, MedGen C4755307, MONDO:0008289, OMIM 175780.
Retinal arterial tortuosity. Also called: Retinal arteries, tortuosity of; RETINAL HEMORRHAGE WITH VASCULAR TORTUOSITY. Identifiers: Orphanet 75326, MedGen C0423401, MONDO:0008373, OMIM 180000, HP:0000631.
Microangiopathy and leukoencephalopathy, pontine, autosomal dominant. Also called: DEMENTIA, HEREDITARY MULTI-INFARCT, SWEDISH TYPE; Pontine autosomal dominant microangiopathy with leukoencephalopathy. Identifiers: Orphanet 477749, MedGen C5231411, MONDO:0032814, OMIM 618564.
Autosomal dominant familial hematuria-retinal arteriolar tortuosity-contractures syndrome. Also called: Hereditary Angiopathy with Nephropathy, Aneurysms, and Muscle Cramps (HANAC) Syndrome; Angiopathy, hereditary, with nephropathy, aneurysms, and muscle cramps. Identifiers: Orphanet 73229, MedGen C2673195, MONDO:0012726, OMIM 611773.

Submissions (2):

Labcorp Genetics (formerly Invitae), Labcorp
Classification: Uncertain significance. Last evaluated: 2024-05-15. Review status: criteria provided, single submitter. Criteria: Invitae Variant Classification Sherloc (09022015). Collection method: clinical testing. Allele origin: germline.
Comment: This sequence change replaces valine, which is neutral and non-polar, with glycine, which is neutral and non-polar, at codon 1191 of the COL4A1 protein (p.Val1191Gly). This variant is not present in population databases (gnomAD no frequency). This variant has not been reported in the literature in individuals affected with COL4A1-related conditions. An algorithm developed to predict the effect of missense changes on protein structure and function (PolyPhen-2) suggests that this variant is likely to be disruptive. In summary, the available evidence is currently insufficient to determine the role of this variant in disease. Therefore, it has been classified as a Variant of Uncertain Significance.

Fulgent Genetics
Classification: Uncertain significance for Brain small vessel disease 1 with or without ocular anomalies; Retinal arterial tortuosity; Autosomal dominant familial hematuria-retinal arteriolar tortuosity-contractures syndrome; Hemorrhage, intracerebral, susceptibility to; Microangiopathy and leukoencephalopathy, pontine, autosomal dominant. Last evaluated: 2024-01-29. Review status: criteria provided, single submitter. Criteria: ACMG Guidelines, 2015. Collection method: clinical testing. Allele origin: germline.

NM_001845.6(COL4A1):c.3572T>G (p.Val1191Gly)

Gene: COL4A1 (collagen type IV alpha 1 chain; minus strand). Cytogenetic location: 13q34.
Variant type: single nucleotide variant.
Coding change: c.3572T>G on transcript NM_001845.6 (MANE Select); coding-DNA position 3572, T replaced by G.
Protein change: p.Val1191Gly; replaces valine 1191 with glycine.
Molecular consequence: missense variant.
Genome position (GRCh38, 1-based): chr13:110,170,717, A>C on the plus strand (T>G on the coding strand, the complement: COL4A1 is on the minus strand). VCF-style: chr13-110170717-A-C. GRCh37 (hg19) VCF-style: chr13-110823064-A-C.
Other names: short protein forms V1191G.
Identifiers: ClinVar variation 2809097 (VCV002809097.4), dbSNP rs2501761881, ClinGen allele CA388663446.